The following is an entry in ClinVar:

NM_198578.4(LRRK2):c.94A>T (p.Ile32Leu)

Gene: LRRK2 (leucine rich repeat kinase 2; plus strand). Cytogenetic location: 12q12.
Variant type: single nucleotide variant.
Coding change: c.94A>T on transcript NM_198578.4 (MANE Select); coding-DNA position 94, A replaced by T.
Protein change: p.Ile32Leu; replaces isoleucine 32 with leucine.
Molecular consequence: missense variant.
Genome position (GRCh38, 1-based): chr12:40,225,225, A>T. VCF-style: chr12-40225225-A-T. GRCh37 (hg19) VCF-style: chr12-40619027-A-T.
Other names: short protein forms I32L.
Identifiers: ClinVar variation 2129429 (VCV002129429.4), dbSNP rs757937882, ClinGen allele CA384398543.

ClinVar aggregate classification (germline): Uncertain significance (1 of 4 stars; one submission).

Conditions:
Autosomal dominant Parkinson disease 8. Also called: Parkinson disease 8, susceptibility to; LRRK2-Related Parkinson Disease; Parkinson disease 8. Identifiers: Orphanet 411602, MedGen C1846862, MONDO:0011764, OMIM 607060.

Allele frequency attached by ClinVar (database versions not stated): gnomAD 0.00001; TOPMed 0.00001.
gnomAD v4.1: 2 of 1,614,072 alleles (0.00012%); highest among the groups gnomAD compares: Admixed American, 0.0017%; no homozygotes.

Submission:

Labcorp Genetics (formerly Invitae), Labcorp
Classification: Uncertain significance for Autosomal dominant Parkinson disease 8. Last evaluated: 2025-03-31. Review status: criteria provided, single submitter. Criteria: Invitae Variant Classification Sherloc (09022015). Collection method: clinical testing. Allele origin: germline.
Comment: This sequence change replaces isoleucine, which is neutral and non-polar, with leucine, which is neutral and non-polar, at codon 32 of the LRRK2 protein (p.Ile32Leu). This variant is not present in population databases (gnomAD no frequency). This variant has not been reported in the literature in individuals affected with LRRK2-related conditions. ClinVar contains an entry for this variant (Variation ID: 2129429). Invitae Evidence Modeling of protein sequence and biophysical properties (such as structural, functional, and spatial information, amino acid conservation, physicochemical variation, residue mobility, and thermodynamic stability) has been performed for this missense variant. However, the output from this modeling did not meet the statistical confidence thresholds required to predict the impact of this variant on LRRK2 protein function. In summary, the available evidence is currently insufficient to determine the role of this variant in disease. Therefore, it has been classified as a Variant of Uncertain Significance.